The following is an entry in ClinVar:

NM_001367624.2(ZNF469):c.216G>T (p.Glu72Asp)

Gene: ZNF469 (zinc finger protein 469; plus strand). Cytogenetic location: 16q24.2.
Variant type: single nucleotide variant.
Coding change: c.216G>T on transcript NM_001367624.2 (MANE Select); coding-DNA position 216, G replaced by T.
Protein change: p.Glu72Asp; replaces glutamic acid 72 with aspartic acid.
Molecular consequence: missense variant.
Genome position (GRCh38, 1-based): chr16:88,427,686, G>T. VCF-style: chr16-88427686-G-T. GRCh37 (hg19) VCF-style: chr16-88494094-G-T.
Other names: NM_001127464.1:c.216G>T; p.Glu72Asp; short protein forms E72D.
Identifiers: ClinVar variation 871977 (VCV000871977.53), dbSNP rs543285355, ClinGen allele CA8224576.
Genomic context (GRCh38, chr16:88,427,686, plus strand): 5'-CGGCCAGGCCCAGGCCATGGAGCTCCCCGAGGCCCAGCCAAGGCAGGCCAGGGACGGGGA[G>T]CTCAAGCCCCCATCCCTGAGAGGCCAGGCCCCGAGCAGCACCCCTGGGAAGAGGGGCAGC-3'
Protein context (NP_001354553.1, residues 62-82): EAQPRQARDG[Glu72Asp]LKPPSLRGQA

ClinVar aggregate classification (germline): Conflicting classifications of pathogenicity. Review status: criteria provided, conflicting classifications (1 of 4 stars). 6 submissions from 6 submitters: Uncertain significance (4); Benign (1); Likely benign (1). Last evaluated 2026-09-11.

Conditions:
Brittle cornea syndrome 1 (BCS1). Also called: Corneal fragility keratoglobus, blue sclerae AND joint hypermobility; DYSGENESIS MESODERMALIS CORNEAE ET SCLERAE; CORNEAL FRAGILITY, KERATOGLOBUS, BLUE SCLERAE, JOINT HYPEREXTENSIBILITY; EDS6B; FRAGILITAS OCULI WITH JOINT HYPEREXTENSIBILITY. Identifiers: Orphanet 90354, MedGen C0268344, MONDO:0024543, OMIM 229200.
Cardiovascular phenotype. Identifiers: MedGen CN230736.

Allele frequency attached by ClinVar (database versions not stated): gnomAD exomes 0.00019 and 0.00020; 1000 Genomes Project 0.00020; TOPMed 0.00020; ExAC 0.00027; gnomAD 0.00030 and 0.00032; 1000 Genomes Project 30x 0.00031.
gnomAD v4.1: 316 of 1,532,628 alleles (0.021%); highest among the groups gnomAD compares: Non-Finnish European, 0.024%; 1 homozygote.

Submissions (6):

GeneDx
Classification: Uncertain significance. Last evaluated: 2026-09-11. Review status: criteria provided, single submitter. Criteria: GeneDx Variant Classification Process June 2021. Collection method: clinical testing. Allele origin: germline.
Comment: In silico analysis, which includes protein predictors and evolutionary conservation, supports that this variant does not alter protein structure/function; Has not been previously published as pathogenic or benign to our knowledge

Labcorp Genetics (formerly Invitae), Labcorp
Classification: Uncertain significance. Last evaluated: 2026-01-19. Review status: criteria provided, single submitter. Criteria: Invitae Variant Classification Sherloc (09022015). Collection method: clinical testing. Allele origin: germline.
Comment: This sequence change replaces glutamic acid, which is acidic and polar, with aspartic acid, which is acidic and polar, at codon 72 of the ZNF469 protein (p.Glu72Asp). This variant is present in population databases (rs543285355, gnomAD 0.06%). This variant has not been reported in the literature in individuals affected with ZNF469-related conditions. ClinVar contains an entry for this variant (Variation ID: 871977). An algorithm developed to predict the effect of missense changes on protein structure and function outputs the following: PolyPhen-2: "Benign". The aspartic acid amino acid residue is found in multiple mammalian species, which suggests that this missense change does not adversely affect protein function. In summary, the available evidence is currently insufficient to determine the role of this variant in disease. Therefore, it has been classified as a Variant of Uncertain Significance.

Mayo Clinic Laboratories, Mayo Clinic
Classification: Benign. Last evaluated: 2023-09-29. Review status: criteria provided, single submitter. Criteria: ACMG Guidelines, 2015. Collection method: clinical testing. Allele origin: germline. Observed: 3 variant alleles.
Comment: BS1, BP4_strong

Ambry Genetics
Classification: Likely benign for Cardiovascular phenotype. Last evaluated: 2022-12-30. Review status: criteria provided, single submitter. Criteria: Ambry Variant Classification Scheme 2023. Collection method: clinical testing. Allele origin: germline.

Department of Pathology and Laboratory Medicine, Sinai Health System
Classification: Uncertain significance for Brittle cornea syndrome 1. Last evaluated: 2022-01-04. Review status: criteria provided, single submitter. Criteria: ACMG Guidelines, 2015. Collection method: research. Allele origin: germline.

CeGaT Center for Human Genetics Tuebingen
Classification: Uncertain significance. Last evaluated: 2021-07-01. Review status: criteria provided, single submitter. Criteria: CeGaT Center For Human Genetics Tuebingen Variant Classification Criteria Version 2. Collection method: clinical testing. Allele origin: germline. Affected: yes. Observed: 3 variant alleles.